The following is an entry in ClinVar:

ClinVar aggregate classification (germline): Pathogenic. Review status: criteria provided, multiple submitters, no conflicts (2 of 4 stars). 2 submissions from 2 submitters: Pathogenic (2). Last evaluated 2026-07-20.

Conditions:
Fetal anomalies with a likely genetic cause.
Pyruvate carboxylase deficiency. Also called: ATAXIA WITH LACTIC ACIDOSIS II; LEIGH NECROTIZING ENCEPHALOPATHY DUE TO PYRUVATE CARBOXYLASE DEFICIENCY; LEIGH SYNDROME DUE TO PYRUVATE CARBOXYLASE DEFICIENCY; PC DEFICIENCY; Pyruvate Carboxylase Deficiency Disease. Identifiers: Orphanet 3008, MedGen C0034341, MONDO:0009949, OMIM 266150.

Submissions (2):

Genetics Laboratory, Great Ormond Street Hospital NHS Foundation Trust, North Thames Genomic Laboratory Hub
Classification: Pathogenic for Fetal anomalies with a likely genetic cause. Last evaluated: 2026-07-20. Review status: criteria provided, single submitter. Criteria: ACGS Best Practice Guidelines for Variant Classification in Rare Disease 2024 v1.2. Collection method: clinical testing. Allele origin: germline. Affected: yes.
Comment: PM2_moderate, PVS1_very-strong

Women's Health and Genetics/Laboratory Corporation of America, LabCorp
Classification: Pathogenic for Pyruvate carboxylase deficiency. Last evaluated: 2025-05-23. Review status: criteria provided, single submitter. Criteria: LabCorp Variant Classification Summary - May 2015. Collection method: clinical testing. Allele origin: germline.
Comment: Variant summary: PC c.787C>T (p.Arg263X) results in a premature termination codon, predicted to cause a truncation of the encoded protein or absence of the protein due to nonsense mediated decay, which are commonly known mechanisms for disease. The variant allele was found at a frequency of 8e-06 in 250620 control chromosomes. To our knowledge, no occurrence of c.787C>T in individuals affected with Pyruvate Carboxylase Deficiency and no experimental evidence demonstrating its impact on protein function have been reported. No submitters have cited clinical-significance assessments for this variant to ClinVar. Based on the evidence outlined above, the variant was classified as pathogenic.

NM_001040716.2(PC):c.787C>T (p.Arg263Ter)

Gene: PC (pyruvate carboxylase; minus strand). Cytogenetic location: 11q13.2.
Variant type: single nucleotide variant.
Coding change: c.787C>T on transcript NM_001040716.2 (MANE Select); coding-DNA position 787, C replaced by T.
Protein change: p.Arg263Ter; replaces arginine 263 with a stop codon.
Molecular consequence: nonsense.
Genome position (GRCh38, 1-based): chr11:66,870,418, G>A on the plus strand (C>T on the coding strand, the complement: PC is on the minus strand). VCF-style: chr11-66870418-G-A. GRCh37 (hg19) VCF-style: chr11-66637889-G-A.
Other names: c.787C>T, p.Arg263Ter (NM_000920.4, NM_022172.3); short protein forms R263*.
Identifiers: ClinVar variation 3902729 (VCV003902729.2).
Genomic context (GRCh38, chr11:66,870,418, plus strand): 5'-GGTGGGCGGCGGGGGCAATCTCGACCACCTTCTGGTGCCGCCGCTGGATGGAGCAGTCTC[G>A]CTCGTACAGGTGCAGGATGTTCCCATACTGGTCCCCTGGGGAGGGAGGTAAACTGGGCTT-3'